The following is an entry in ClinVar:

ClinVar aggregate classification (germline): Uncertain significance. Review status: criteria provided, multiple submitters, no conflicts (2 of 4 stars). 2 submissions from 2 submitters: Uncertain significance (2). Last evaluated 2022-07-19.

Conditions:
Autoinflammatory syndrome. Identifiers: Orphanet 93665, MedGen C3890737, MONDO:0019751.
Generalized pustular psoriasis. Identifiers: Orphanet 247353, MedGen C0343055, MONDO:0100491.

Allele frequency attached by ClinVar (database versions not stated): ExAC 0.00003; gnomAD exomes 0.00005 and 0.00009; TOPMed 0.00005; gnomAD 0.00007 and 0.00009.
gnomAD v4.1: 142 of 1,613,986 alleles (0.0088%); highest among the groups gnomAD compares: Non-Finnish European, 0.01%; no homozygotes.

Submissions (2):

Labcorp Genetics (formerly Invitae), Labcorp
Classification: Uncertain significance for Generalized pustular psoriasis. Last evaluated: 2022-07-19. Review status: criteria provided, single submitter. Criteria: Invitae Variant Classification Sherloc (09022015). Collection method: clinical testing. Allele origin: germline.
Comment: This sequence change replaces arginine, which is basic and polar, with glutamine, which is neutral and polar, at codon 103 of the IL36RN protein (p.Arg103Gln). This variant is present in population databases (rs542606182, gnomAD 0.009%). This missense change has been observed in individual(s) with pustular skin disease (PMID: 28887889). ClinVar contains an entry for this variant (Variation ID: 1366264). Algorithms developed to predict the effect of missense changes on protein structure and function output the following: SIFT: "Deleterious"; PolyPhen-2: "Benign"; Align-GVGD: "Class C35". The glutamine amino acid residue is found in multiple mammalian species, which suggests that this missense change does not adversely affect protein function. Algorithms developed to predict the effect of sequence changes on RNA splicing suggest that this variant may create or strengthen a splice site. In summary, the available evidence is currently insufficient to determine the role of this variant in disease. Therefore, it has been classified as a Variant of Uncertain Significance.

Genome Diagnostics Laboratory, The Hospital for Sick Children
Classification: Uncertain significance for Autoinflammatory syndrome. Last evaluated: 2019-09-01. Review status: criteria provided, single submitter. Criteria: ACMG Guidelines, 2015. Collection method: clinical testing. Allele origin: germline. Affected: yes.

Literature cited by the submitters: PubMed 28887889 (cited by Labcorp Genetics (formerly Invitae), Labcorp).

NM_012275.3(IL36RN):c.308G>A (p.Arg103Gln)

Gene: IL36RN (interleukin 36 receptor antagonist; plus strand). Cytogenetic location: 2q14.1.
Variant type: single nucleotide variant.
Coding change: c.308G>A on transcript NM_012275.3 (MANE Select); coding-DNA position 308, G replaced by A.
Protein change: p.Arg103Gln; replaces arginine 103 with glutamine.
Molecular consequence: missense variant.
Genome position (GRCh38, 1-based): chr2:113,062,517, G>A. VCF-style: chr2-113062517-G-A. GRCh37 (hg19) VCF-style: chr2-113820094-G-A.
Other names: c.308G>A, p.Arg103Gln (NM_173170.1); short protein forms R103Q.
Identifiers: ClinVar variation 1366264 (VCV001366264.6), dbSNP rs542606182, ClinGen allele CA1838436.